The following is an entry in ClinVar:

NM_001009944.3(PKD1):c.5006G>T (p.Trp1669Leu)

Gene: PKD1 (polycystin 1, transient receptor potential channel interacting; minus strand). Cytogenetic location: 16p13.3.
Variant type: single nucleotide variant.
Coding change: c.5006G>T on transcript NM_001009944.3 (MANE Select); coding-DNA position 5006, G replaced by T.
Protein change: p.Trp1669Leu; replaces tryptophan 1669 with leucine.
Molecular consequence: missense variant.
Genome position (GRCh38, 1-based): chr16:2,110,161, C>A on the plus strand (G>T on the coding strand, the complement: PKD1 is on the minus strand). VCF-style: chr16-2110161-C-A. GRCh37 (hg19) VCF-style: chr16-2160162-C-A.
Other names: c.5006G>T, p.Trp1669Leu (NM_000296.4); short protein forms W1669L.
Identifiers: ClinVar variation 5000942 (VCV005000942.1).

ClinVar aggregate classification (germline): Uncertain significance (1 of 4 stars; one submission).

Conditions:
PKD1-related disorder. Also called: PKD1-related condition.

Submission:

PreventionGenetics, part of Exact Sciences
Classification: Uncertain significance for PKD1-related condition. Last evaluated: 2026-01-28. Review status: criteria provided, single submitter. Criteria: ACMG Guidelines, 2015. Collection method: clinical testing. Allele origin: germline.
Comment: The PKD1 c.5006G>T variant is predicted to result in the amino acid substitution p.Trp1669Leu. To our knowledge, this variant has not been reported in the literature. This variant is reported in 0.0055% of alleles in individuals of East Asian descent in gnomAD. At this time, the clinical significance of this variant is uncertain due to the absence of conclusive functional and genetic evidence.